The following is an entry in ClinVar:

ClinVar aggregate classification (germline): Likely benign. Review status: criteria provided, multiple submitters, no conflicts (2 of 4 stars). 2 submissions from 2 submitters: Likely benign (2). Last evaluated 2025-10-22.

Allele frequency attached by ClinVar (database versions not stated): ExAC 0.00001; TOPMed 0.00004; gnomAD 0.00005.
gnomAD v4.1: 18 of 1,507,994 alleles (0.0012%); highest among the groups gnomAD compares: African/African-American, 0.021%; no homozygotes.

Submissions (2):

Labcorp Genetics (formerly Invitae), Labcorp
Classification: Likely benign. Last evaluated: 2025-10-22. Review status: criteria provided, single submitter. Criteria: Invitae Variant Classification Sherloc (09022015). Collection method: clinical testing. Allele origin: germline.

CeGaT Center for Human Genetics Tuebingen
Classification: Likely benign. Last evaluated: 2023-02-01. Review status: criteria provided, single submitter. Criteria: CeGaT Center For Human Genetics Tuebingen Variant Classification Criteria Version 2. Collection method: clinical testing. Allele origin: germline. Affected: yes. Observed: 1 variant allele.
Comment: CASZ1: BP4, BP7

NM_001079843.3(CASZ1):c.480C>T (p.Ser160=)

Gene: CASZ1 (castor zinc finger 1; minus strand). Cytogenetic location: 1p36.22.
Variant type: single nucleotide variant.
Coding change: c.480C>T on transcript NM_001079843.3 (MANE Select); coding-DNA position 480, C replaced by T.
Protein change: p.Ser160=; no amino-acid change (serine 160 retained).
Molecular consequence: synonymous variant.
Genome position (GRCh38, 1-based): chr1:10,665,108, G>A on the plus strand (C>T on the coding strand, the complement: CASZ1 is on the minus strand). VCF-style: chr1-10665108-G-A. GRCh37 (hg19) VCF-style: chr1-10725165-G-A.
Other names: c.480C>T, p.Ser160= (NM_017766.5).
Identifiers: ClinVar variation 2638212 (VCV002638212.25), dbSNP rs773590737, ClinGen allele CA585432.